The following is an entry in ClinVar:

NM_000540.3(RYR1):c.271-148A>G

Gene: RYR1 (ryanodine receptor 1; plus strand). Cytogenetic location: 19q13.2.
Variant type: single nucleotide variant.
Coding change: c.271-148A>G on transcript NM_000540.3 (MANE Select); 148 bases into the intron before coding-DNA position 271, A replaced by G.
Molecular consequence: intron variant.
Genome position (GRCh38, 1-based): chr19:38,443,410, A>G. VCF-style: chr19-38443410-A-G. GRCh37 (hg19) VCF-style: chr19-38934050-A-G.
Other names: c.271-148A>G (NM_001042723.2).
Identifiers: ClinVar variation 673150 (VCV000673150.2), dbSNP rs73554209, ClinGen allele CA308110922.

ClinVar aggregate classification (germline): Benign. Review status: criteria provided, multiple submitters, no conflicts (2 of 4 stars). 2 submissions from 2 submitters: Benign (2). Last evaluated 2018-06-18.

Allele frequency attached by ClinVar (database versions not stated): gnomAD exomes 0.01211; gnomAD 0.03993 and 0.04157; TOPMed 0.04387; 1000 Genomes Project 0.05471; 1000 Genomes Project 30x 0.05621.
gnomAD v4.1: 12,840 of 699,556 alleles (1.8%); highest among the groups gnomAD compares: African/African-American, 12%; 537 homozygotes.

Submissions (2):

GeneDx
Classification: Benign. Last evaluated: 2018-06-18. Review status: criteria provided, single submitter. Criteria: GeneDx Variant Classification (06012015). Collection method: clinical testing. Allele origin: germline. Affected: yes.
Comment: This variant is considered likely benign or benign based on one or more of the following criteria: it is a conservative change, it occurs at a poorly conserved position in the protein, it is predicted to be benign by multiple in silico algorithms, and/or has population frequency not consistent with disease.

Breakthrough Genomics
Classification: Benign. Review status: criteria provided, single submitter. Criteria: ACMG Guidelines, 2015. Collection method: not provided. Allele origin: germline. Inheritance: Autosomal recessive inheritance. Affected: yes.